The following is an entry in ClinVar:

NM_001379500.1(COL18A1):c.3950_*18del (p.Ser1317fs)

Genes: COL18A1 (collagen type XVIII alpha 1 chain; plus strand), SLC19A1 (solute carrier family 19 member 1; minus strand). Cytogenetic location: 21q22.3.
Variant type: Deletion.
Coding change: c.3950_*18del on transcript NM_001379500.1 (MANE Select); coding-DNA position 3950 through 18 bases downstream of the stop codon, 89 bases deleted.
Protein change: p.Ser1317fs; shifts the reading frame from serine 1317.
Molecular consequence: frameshift variant.
Genome position (GRCh38, 1-based): chr21:45,512,328-45,512,416, 89 bases deleted. GRCh37 (hg19): chr21:46,932,242-46,932,330.
Other names: c.4481_*18del, p.Ser1494fs (NM_030582.4); c.5186_*18del, p.Ser1729fs (NM_130444.3); short protein forms S1317fs, S1494fs, S1729fs.
Identifiers: ClinVar variation 1514576 (VCV001514576.6), dbSNP rs2146152388, ClinGen allele CA2573157736.

ClinVar aggregate classification (germline): Uncertain significance (1 of 4 stars; one submission).

Submission:

Labcorp Genetics (formerly Invitae), Labcorp
Classification: Uncertain significance. Last evaluated: 2022-02-10. Review status: criteria provided, single submitter. Criteria: Invitae Variant Classification Sherloc (09022015). Collection method: clinical testing. Allele origin: germline.
Comment: This sequence change results in a frameshift in the COL18A1 gene (p.Ser1314Metfs*40). While this is not anticipated to result in nonsense mediated decay, it is expected to disrupt the last 23 amino acid(s) of the COL18A1 protein and extend the protein by 16 additional amino acid residues. This variant is not present in population databases (gnomAD no frequency). This variant has not been reported in the literature in individuals affected with COL18A1-related conditions. In summary, the available evidence is currently insufficient to determine the role of this variant in disease. Therefore, it has been classified as a Variant of Uncertain Significance.